The following is an entry in ClinVar:

GRCh37/hg19 Xq22.2(chrX:102742391-103109211)x2

Genes: MORF4L2 (mortality factor 4 like 2; minus strand), PLP1 (proteolipid protein 1; plus strand), RAB40A (RAB40A, member RAS oncogene family; minus strand), RAB9B (RAB9B, member RAS oncogene family; minus strand), TCEAL1 (transcription elongation factor A like 1; plus strand) and 3 more. Cytogenetic location: Xq22.2.
Variant type: copy number gain.
Change: copy number 2 of chrX:102,742,391-103,109,211 (366.8 kb, GRCh37 coordinates, 1-based), cytogenetic band Xq22.2.
Identifiers: ClinVar variation 816375 (VCV000816375.2).

ClinVar aggregate classification (germline): Pathogenic (1 of 4 stars; one submission).

Submission:

Quest Diagnostics Nichols Institute San Juan Capistrano
Classification: Pathogenic. Last evaluated: 2021-12-02. Review status: criteria provided, single submitter. Criteria: ACMG/ClinGen CNV Guidelines, 2019. Collection method: clinical testing. Allele origin: unknown.
Comment: The microduplication of Xq22.2 involves several genes, including the entire PLP1 (OMIM 300401) gene. Duplications involving PLP1, leading to triplosensitivity of PLP1, have been associated with approximately 70% of cases of Pelizaeus-Merzbacher disease (PMD) (OMIM 312080), predominantly in males. PMD is an X-linked hypomyelinative leukodystrophy characterized clinically by nystagmus, spastic quadriplegia, ataxia, and developmental delay (Hum Mol Genet. 2017 May 15;26(10):1927-1941. PMID: 28334874; Clin Genet. 2013 Jan;83(1):66-72. PMID: 22283455; Brain Dev. 2010 Mar;32(3):171-9. PMID: 19328639). Female carriers of duplications are less likely to have clinical manifestations and more likely to have favorably skewed X-inactivation.